The following is an entry in ClinVar:

ClinVar aggregate classification (germline): Uncertain significance (1 of 4 stars; one submission).

Conditions:
Immunodeficiency-centromeric instability-facial anomalies syndrome 2 (ICF2). Identifiers: Orphanet 2268, MedGen C3279748, MONDO:0013553, OMIM 614069.

Allele frequency attached by ClinVar (database versions not stated): ExAC 0.00002; gnomAD 0.00002; gnomAD exomes 0.00002; TOPMed 0.00003.
gnomAD v4.1: 36 of 1,614,080 alleles (0.0022%); highest among the groups gnomAD compares: Admixed American, 0.005%; no homozygotes.

Submission:

Labcorp Genetics (formerly Invitae), Labcorp
Classification: Uncertain significance for Immunodeficiency-centromeric instability-facial anomalies syndrome 2. Last evaluated: 2022-10-22. Review status: criteria provided, single submitter. Criteria: Invitae Variant Classification Sherloc (09022015). Collection method: clinical testing. Allele origin: germline.
Comment: This sequence change replaces alanine, which is neutral and non-polar, with aspartic acid, which is acidic and polar, at codon 650 of the ZBTB24 protein (p.Ala650Asp). This variant is present in population databases (rs776148069, gnomAD 0.05%). This variant has not been reported in the literature in individuals affected with ZBTB24-related conditions. Algorithms developed to predict the effect of missense changes on protein structure and function are either unavailable or do not agree on the potential impact of this missense change (SIFT: "Not Available"; PolyPhen-2: "Possibly Damaging"; Align-GVGD: "Not Available"). In summary, the available evidence is currently insufficient to determine the role of this variant in disease. Therefore, it has been classified as a Variant of Uncertain Significance.

NM_014797.3(ZBTB24):c.1949C>A (p.Ala650Asp)

Gene: ZBTB24 (zinc finger and BTB domain containing 24; minus strand). Cytogenetic location: 6q21.
Variant type: single nucleotide variant.
Coding change: c.1949C>A on transcript NM_014797.3 (MANE Select); coding-DNA position 1949, C replaced by A.
Protein change: p.Ala650Asp; replaces alanine 650 with aspartic acid.
Molecular consequence: missense variant.
Genome position (GRCh38, 1-based): chr6:109,465,996, G>T on the plus strand (C>A on the coding strand, the complement: ZBTB24 is on the minus strand). VCF-style: chr6-109465996-G-T. GRCh37 (hg19) VCF-style: chr6-109787199-G-T.
Other names: short protein forms A650D.
Identifiers: ClinVar variation 2080596 (VCV002080596.1), dbSNP rs776148069, ClinGen allele CA3953988.